The following is an entry in ClinVar:

NM_006950.3(SYN1):c.707A>G (p.His236Arg)

Gene: SYN1 (synapsin I; minus strand). Cytogenetic location: Xp11.23.
Variant type: single nucleotide variant.
Coding change: c.707A>G on transcript NM_006950.3 (MANE Select); coding-DNA position 707, A replaced by G.
Protein change: p.His236Arg; replaces histidine 236 with arginine.
Molecular consequence: missense variant.
Genome position (GRCh38, 1-based): chrX:47,605,045, T>C on the plus strand (A>G on the coding strand, the complement: SYN1 is on the minus strand). VCF-style: chrX-47605045-T-C. GRCh37 (hg19) VCF-style: chrX-47464444-T-C.
Other names: c.707A>G, p.His236Arg (NM_133499.2); short protein forms H236R.
Identifiers: ClinVar variation 1720906 (VCV001720906.6), dbSNP rs1240399577, ClinGen allele CA412823640.

ClinVar aggregate classification (germline): Uncertain significance (1 of 4 stars; one submission).

Conditions:
Epilepsy, X-linked 1, with variable learning disabilities and behavior disorders. Also called: X-linked epilepsy-learning disabilities-behavior disorders syndrome. Identifiers: Orphanet 85294, MedGen C5774177, MONDO:0010339, OMIM 300491.

Allele frequency attached by ClinVar (database versions not stated): gnomAD exomes below 0.00001; gnomAD 0.00001.
gnomAD v4.1: 5 of 1,210,161 alleles (0.00041%); highest among the groups gnomAD compares: Non-Finnish European, 0.00056%; no homozygotes.

Submission:

Labcorp Genetics (formerly Invitae), Labcorp
Classification: Uncertain significance for Epilepsy, X-linked 1, with variable learning disabilities and behavior disorders. Last evaluated: 2024-10-30. Review status: criteria provided, single submitter. Criteria: Invitae Variant Classification Sherloc (09022015). Collection method: clinical testing. Allele origin: germline.
Comment: This sequence change replaces histidine, which is basic and polar, with arginine, which is basic and polar, at codon 236 of the SYN1 protein (p.His236Arg). This variant is not present in population databases (gnomAD no frequency). This variant has not been reported in the literature in individuals affected with SYN1-related conditions. ClinVar contains an entry for this variant (Variation ID: 1720906). An algorithm developed to predict the effect of missense changes on protein structure and function (PolyPhen-2) suggests that this variant is likely to be tolerated. In summary, the available evidence is currently insufficient to determine the role of this variant in disease. Therefore, it has been classified as a Variant of Uncertain Significance.